The following is an entry in ClinVar:

ClinVar aggregate classification (germline): Uncertain significance (1 of 4 stars; one submission).

Conditions:
Spinocerebellar ataxia 42, early-onset, severe, with neurodevelopmental deficits. Identifiers: MedGen C4748120, MONDO:0060758, OMIM 618087.
Spinocerebellar ataxia type 42. Identifiers: Orphanet 458803, MedGen C4225205, MONDO:0014776, OMIM 616795.

gnomAD v4.1: 1 of 1,613,964 alleles (0.000062%); highest among the groups gnomAD compares: Non-Finnish European, 0.000085%; no homozygotes.

Submission:

Clinical Genomics Laboratory, Washington University in St. Louis
Classification: Uncertain significance for Spinocerebellar ataxia type 42; Spinocerebellar ataxia 42, early-onset, severe, with neurodevelopmental deficits. Last evaluated: 2026-01-08. Review status: criteria provided, single submitter. Criteria: ACMG Guidelines, 2015. Collection method: clinical testing. Allele origin: germline.
Comment: The CACNA1G c.2708G>A (p.Arg903Gln) variant, to our knowledge, has not been reported in the medical literature and is absent from the general population (gnomAD v2.1.0), indicating it is not a common variant. This variant resides within the second transmembrane domain of CACNA1G and computational predictors indicate that the variant is damaging, evidence that correlates with impact to CACNA1G function. Due to limited information, and based on ACMG/AMP guidelines for variant interpretation (Richards S et al., PMID: 25741868), the clinical significance of this variant is uncertain at this time.

NM_018896.5(CACNA1G):c.2708G>A (p.Arg903Gln)

Gene: CACNA1G (calcium voltage-gated channel subunit alpha1 G; plus strand). Cytogenetic location: 17q21.33.
Variant type: single nucleotide variant.
Coding change: c.2708G>A on transcript NM_018896.5 (MANE Select); coding-DNA position 2708, G replaced by A.
Protein change: p.Arg903Gln; replaces arginine 903 with glutamine.
Molecular consequence: missense variant. On other transcripts: non-coding transcript variant (5).
Genome position (GRCh38, 1-based): chr17:50,591,807, G>A. VCF-style: chr17-50591807-G-A. GRCh37 (hg19) VCF-style: chr17-48669168-G-A.
Other names: c.2708G>A, p.Arg903Gln (NM_001256324.2, NM_001256325.2, NM_001256326.2 and 24 more transcripts); short protein forms R903Q.
Identifiers: ClinVar variation 4879207 (VCV004879207.1).